The following is an entry in ClinVar:

NM_000122.2(ERCC3):c.658-7C>G

Gene: ERCC3 (ERCC excision repair 3, TFIIH core complex helicase subunit; minus strand). Cytogenetic location: 2q14.3.
Variant type: single nucleotide variant.
Coding change: c.658-7C>G on transcript NM_000122.2 (MANE Select); 7 bases into the intron before coding-DNA position 658, C replaced by G.
Molecular consequence: intron variant.
Genome position (GRCh38, 1-based): chr2:127,289,508, G>C on the plus strand (C>G on the coding strand, the complement: ERCC3 is on the minus strand). VCF-style: chr2-127289508-G-C. GRCh37 (hg19) VCF-style: chr2-128047084-G-C.
Other names: c.466-7C>G (NM_001303416.2, NM_001303418.2).
Identifiers: ClinVar variation 512671 (VCV000512671.13), dbSNP rs200361738, ClinGen allele CA1858466.

ClinVar aggregate classification (germline): Conflicting classifications of pathogenicity. Review status: criteria provided, conflicting classifications (1 of 4 stars). 4 submissions from 4 submitters: Uncertain significance (2); Likely benign (2). Last evaluated 2026-01-28.

Conditions:
Xeroderma pigmentosum (XP). Identifiers: Orphanet 910, MedGen C0043346, MONDO:0019600.

Allele frequency attached by ClinVar (database versions not stated): gnomAD 0.00003; TOPMed 0.00003; gnomAD exomes 0.00007 and 0.00008; ExAC 0.00008; ESP Exome Variant Server 0.00008.
gnomAD v4.1: 105 of 1,612,310 alleles (0.0065%); highest among the groups gnomAD compares: Middle Eastern, 0.022%; no homozygotes.

Submissions (4):

Labcorp Genetics (formerly Invitae), Labcorp
Classification: Likely benign. Last evaluated: 2026-01-28. Review status: criteria provided, single submitter. Criteria: Invitae Variant Classification Sherloc (09022015). Collection method: clinical testing. Allele origin: germline.

Institute for Clinical Genetics, University Hospital TU Dresden, University Hospital TU Dresden
Classification: Uncertain significance. Last evaluated: 2021-11-03. Review status: criteria provided, single submitter. Criteria: ACMG Guidelines, 2015. Collection method: clinical testing. Allele origin: germline.

Sema4
Classification: Uncertain significance for Xeroderma pigmentosum. Last evaluated: 2021-04-06. Review status: criteria provided, single submitter. Criteria: Sema4 Curation Guidelines. Collection method: curation. Allele origin: germline.
Comment: The ERCC3 c.658-7C>G variant has not been reported in the literature to our knowledge. It was observed in 15/113720 chromosomes of the European (non-Finnish) subpopulation, with no homozygotes, in the large and broad cohorts of the Genome Aggregation Database (PMID: 32461654). The variant has been reported in ClinVar (Variation ID 512671). In silico tools suggest the variant does not affect splicing, though these predictions have not been confirmed by functional studies. The evidence is insufficient to meet ACMG/AMP criteria for classifying the variant as benign or pathogenic. Thus, the clinical significance of this variant is currently uncertain.

GeneDx
Classification: Likely benign. Last evaluated: 2017-10-20. Review status: criteria provided, single submitter. Criteria: GeneDx Variant Classification (06012015). Collection method: clinical testing. Allele origin: germline. Affected: yes.
Comment: This variant is considered likely benign or benign based on one or more of the following criteria: it is a conservative change, it occurs at a poorly conserved position in the protein, it is predicted to be benign by multiple in silico algorithms, and/or has population frequency not consistent with disease.